The following is an entry in ClinVar:

ClinVar aggregate classification (germline): Uncertain significance (1 of 4 stars; one submission).

Submission:

GeneDx
Classification: Uncertain significance. Last evaluated: 2026-04-01. Review status: criteria provided, single submitter. Criteria: GeneDx Variant Classification Process June 2021. Collection method: clinical testing. Allele origin: germline.
Comment: Not observed at significant frequency in large population cohorts (gnomAD); In silico analysis supports that this missense variant has a deleterious effect on protein structure/function; Has not been previously published as pathogenic or benign to our knowledge

NM_003074.4(SMARCC1):c.2060C>T (p.Pro687Leu)

Gene: SMARCC1 (SWI/SNF related BAF chromatin remodeling complex subunit C1; minus strand). Cytogenetic location: 3p21.31.
Variant type: single nucleotide variant.
Coding change: c.2060C>T on transcript NM_003074.4 (MANE Select); coding-DNA position 2060, C replaced by T.
Protein change: p.Pro687Leu; replaces proline 687 with leucine.
Molecular consequence: missense variant.
Genome position (GRCh38, 1-based): chr3:47,662,432, G>A on the plus strand (C>T on the coding strand, the complement: SMARCC1 is on the minus strand). VCF-style: chr3-47662432-G-A. GRCh37 (hg19) VCF-style: chr3-47703922-G-A.
Other names: short protein forms P687L.
Identifiers: ClinVar variation 5017524 (VCV005017524.1).
Genomic context (GRCh38, chr3:47,662,432, plus strand): 5'-TCCACCACAGATGCCAAAAAAGCAACAGTACTCATAACTGGATTTCCTGACTGACTGAAG[G>A]GGACAGGCTGGTAGGCCAAAGGCCCAAGGGAAGCATCTGAATTCTCAAGGTATGGGTCCT-3'
Protein context (NP_003065.3, residues 677-697): SLGPLAYQPV[Pro687Leu]FSQSGNPVMS